The following is an entry in ClinVar:

ClinVar aggregate classification (germline): Benign/Likely benign. Review status: criteria provided, multiple submitters, no conflicts (2 of 4 stars). 4 submissions from 4 submitters: Benign (1); Likely benign (3). Last evaluated 2024-10-07.

Conditions:
Familial cancer of breast. Also called: BREAST CANCER, FAMILIAL; Hereditary breast cancer; hereditary breast carcinoma. Identifiers: Orphanet 227535, MedGen C0346153, MONDO:0016419, OMIM 114480. Disease mechanism: loss of function.
Hereditary cancer-predisposing syndrome. Also called: Hereditary Cancer Syndrome; Neoplastic Syndromes, Hereditary; Tumor predisposition; Hereditary neoplastic syndrome. Identifiers: Orphanet 140162, MedGen C0027672, MeSH D009386, MONDO:0015356.

Allele frequency attached by ClinVar (database versions not stated): gnomAD exomes below 0.00001 and 0.00001; ExAC 0.00002.
gnomAD v4.1: 6 of 1,611,464 alleles (0.00037%); highest among the groups gnomAD compares: South Asian, 0.0066%; no homozygotes.

Submissions (4):

Myriad Genetics, Inc.
Classification: Benign for Familial cancer of breast. Last evaluated: 2024-10-07. Review status: criteria provided, single submitter. Criteria: Myriad Autosomal Dominant, Autosomal Recessive and X-Linked Classification Criteria (2023). Collection method: clinical testing. Allele origin: unknown.
Comment: This variant is considered benign. This variant is a silent/synonymous amino acid change and it is not expected to impact splicing.

Labcorp Genetics (formerly Invitae), Labcorp
Classification: Likely benign for Familial cancer of breast. Last evaluated: 2024-02-17. Review status: criteria provided, single submitter. Criteria: Invitae Variant Classification Sherloc (09022015). Collection method: clinical testing. Allele origin: germline.

Color Diagnostics, LLC DBA Color Health
Classification: Likely benign for Hereditary cancer-predisposing syndrome. Last evaluated: 2017-08-02. Review status: criteria provided, single submitter. Criteria: ACMG Guidelines, 2015. Collection method: clinical testing. Allele origin: germline.

Ambry Genetics
Classification: Likely benign for Hereditary cancer-predisposing syndrome. Last evaluated: 2016-03-11. Review status: criteria provided, single submitter. Criteria: Ambry Variant Classification Scheme 2023. Collection method: clinical testing. Allele origin: germline.

NM_007194.4(CHEK2):c.1284T>C (p.Ser428=)

Gene: CHEK2 (checkpoint kinase 2; minus strand). Cytogenetic location: 22q12.1.
Variant type: single nucleotide variant.
Coding change: c.1284T>C on transcript NM_007194.4 (MANE Select); coding-DNA position 1284, T replaced by C.
Protein change: p.Ser428=; no amino-acid change (serine 428 retained).
Molecular consequence: synonymous variant.
Genome position (GRCh38, 1-based): chr22:28,695,218, A>G on the plus strand (T>C on the coding strand, the complement: CHEK2 is on the minus strand). VCF-style: chr22-28695218-A-G. GRCh37 (hg19) VCF-style: chr22-29091206-A-G.
Other names: c.1413T>C, p.Ser471= (NM_001005735.3); c.621T>C, p.Ser207= (NM_001257387.3); c.1083T>C, p.Ser361= (NM_001349956.3); c.1197T>C, p.Ser399= (NM_145862.3).
Identifiers: ClinVar variation 479547 (VCV000479547.18), dbSNP rs781514295, ClinGen allele CA10167682.